The following is an entry in ClinVar:

ClinVar aggregate classification (germline): Pathogenic. Review status: criteria provided, multiple submitters, no conflicts (2 of 4 stars). 3 submissions from 3 submitters: Pathogenic (3). Last evaluated 2025-11-30.

Conditions:
Melnick-Fraser syndrome (BOR). Also called: Branchiootorenal syndrome; Branchio-oto-renal syndrome; Branchiootorenal Syndrome (BORS). Identifiers: Orphanet 107, MedGen C0265234, MONDO:0007029.
Monogenic hearing loss.

Submissions (3):

Genetics Laboratory, Great Ormond Street Hospital NHS Foundation Trust, North Thames Genomic Laboratory Hub
Classification: Pathogenic for Monogenic hearing loss. Last evaluated: 2025-11-30. Review status: criteria provided, single submitter. Criteria: ACGS Best Practice Guidelines for Variant Classification in Rare Disease 2024 v1.2. Collection method: clinical testing. Allele origin: germline. Affected: yes.
Comment: PS4_supporting, PM2_moderate, PVS1_very-strong, PP1_strong, PP4_supporting

Labcorp Genetics (formerly Invitae), Labcorp
Classification: Pathogenic for Melnick-Fraser syndrome. Last evaluated: 2025-02-13. Review status: criteria provided, single submitter. Criteria: Invitae Variant Classification Sherloc (09022015). Collection method: clinical testing. Allele origin: germline.
Comment: This sequence change creates a premature translational stop signal (p.Trp430*) in the EYA1 gene. It is expected to result in an absent or disrupted protein product. Loss-of-function variants in EYA1 are known to be pathogenic (PMID: 10464653, 18220287). This variant is not present in population databases (gnomAD no frequency). This premature translational stop signal has been observed in individual(s) with Branchiootorenal syndrome (PMID: 29500469). ClinVar contains an entry for this variant (Variation ID: 3359726). Algorithms developed to predict the effect of sequence changes on RNA splicing suggest that this variant may disrupt the consensus splice site. For these reasons, this variant has been classified as Pathogenic.

GeneDx
Classification: Pathogenic. Last evaluated: 2024-04-04. Review status: criteria provided, single submitter. Criteria: GeneDx Variant Classification Process June 2021. Collection method: clinical testing. Allele origin: germline. Affected: yes.
Comment: Nonsense variant predicted to result in protein truncation or nonsense mediated decay in a gene for which loss of function is a known mechanism of disease; Not observed at significant frequency in large population cohorts (gnomAD); This variant is associated with the following publications: (PMID: 29500469)

Literature cited by the submitters: PubMed 10464653 (cited by Labcorp Genetics (formerly Invitae), Labcorp); PubMed 18220287 (cited by Labcorp Genetics (formerly Invitae), Labcorp); PubMed 29500469 (cited by Labcorp Genetics (formerly Invitae), Labcorp).

NM_000503.6(EYA1):c.1289G>A (p.Trp430Ter)

Gene: EYA1 (EYA transcriptional coactivator and phosphatase 1; minus strand). Cytogenetic location: 8q13.3.
Variant type: single nucleotide variant.
Coding change: c.1289G>A on transcript NM_000503.6 (MANE Select); coding-DNA position 1289, G replaced by A.
Protein change: p.Trp430Ter; replaces tryptophan 430 with a stop codon.
Molecular consequence: nonsense.
Genome position (GRCh38, 1-based): chr8:71,216,763, C>T on the plus strand (G>A on the coding strand, the complement: EYA1 is on the minus strand). VCF-style: chr8-71216763-C-T. GRCh37 (hg19) VCF-style: chr8-72128998-C-T.
Other names: c.1271G>A, p.Trp424Ter (NM_001288574.2, NM_172059.5); c.923G>A, p.Trp308Ter (NM_001288575.2); c.1376G>A, p.Trp459Ter (NM_001370333.1); c.1289G>A, p.Trp430Ter (NM_001370334.1, NM_001370335.1, NM_172058.4); c.1268G>A, p.Trp423Ter (NM_001370336.1); c.1190G>A, p.Trp397Ter (NM_001411797.1, NM_172060.4); short protein forms W308*, W397*, W423*, W424*, W430*, W459*.
Identifiers: ClinVar variation 3359726 (VCV003359726.3).